The following is an entry in ClinVar:

ClinVar aggregate classification (germline): Uncertain significance (1 of 4 stars; one submission).

Conditions:
Cystic fibrosis (CF). Also called: MUCOVISCIDOSIS. Identifiers: Orphanet 586, MedGen C0010674, MONDO:0009061, OMIM 219700. Disease mechanism: loss of function.

Submission:

Ambry Genetics
Classification: Uncertain significance for Cystic fibrosis. Last evaluated: 2024-02-26. Review status: criteria provided, single submitter. Criteria: Ambry Variant Classification Scheme 2023. Collection method: clinical testing. Allele origin: germline.
Comment: The p.V317L variant (also known as c.949G>T), located in coding exon 8 of the CFTR gene, results from a G to T substitution at nucleotide position 949. The valine at codon 317 is replaced by leucine, an amino acid with highly similar properties. This amino acid position is conserved. In addition, this alteration is predicted to be deleterious by in silico analysis. Based on the available evidence, the clinical significance of this alteration remains unclear.

NM_000492.4(CFTR):c.949G>T (p.Val317Leu)

Gene: CFTR (CF transmembrane conductance regulator; plus strand). Cytogenetic location: 7q31.2.
Variant type: single nucleotide variant.
Coding change: c.949G>T on transcript NM_000492.4 (MANE Select); coding-DNA position 949, G replaced by T.
Protein change: p.Val317Leu; replaces valine 317 with leucine.
Molecular consequence: missense variant.
Genome position (GRCh38, 1-based): chr7:117,540,179, G>T. VCF-style: chr7-117540179-G-T. GRCh37 (hg19) VCF-style: chr7-117180233-G-T.
Other names: short protein forms V317L.
Identifiers: ClinVar variation 3231938 (VCV003231938.1), dbSNP rs2485026627, ClinGen allele CA368978434.